The following is an entry in ClinVar:

ClinVar aggregate classification (germline): Likely pathogenic (1 of 4 stars; one submission).

Conditions:
GNPTAB-mucolipidosis. Also called: UDP-N-acetylglucosamine-1-phosphotransferase subunit alpha/beta deficiency. Identifiers: MedGen CN322573, MONDO:0100122.

Submission:

Myriad Genetics, Inc.
Classification: Likely pathogenic for GNPTAB-mucolipidosis. Last evaluated: 2022-03-03. Review status: criteria provided, single submitter. Criteria: Myriad Autosomal Dominant, Autosomal Recessive and X-Linked Classification Criteria (2023). Collection method: clinical testing. Allele origin: unknown.
Comment: NM_024312.4(GNPTAB):c.699_700insGTTT(P234Vfs*22) is expected to be pathogenic in the context of GNPTAB-related disorders. This variant is predicted to lead to an abnormal or absent protein product due to the creation of a premature termination codon in GNPTAB, a gene where loss-of-function variants are known to be pathogenic. Please note: this variant was assessed in the context of healthy population screening.

NM_024312.5(GNPTAB):c.699_700insGTTT (p.Pro234fs)

Gene: GNPTAB (N-acetylglucosamine-1-phosphate transferase subunits alpha and beta; minus strand). Cytogenetic location: 12q23.2.
Variant type: Insertion.
Coding change: c.699_700insGTTT on transcript NM_024312.5 (MANE Select); coding-DNA positions 699 to 700, GTTT inserted.
Protein change: p.Pro234fs; shifts the reading frame from proline 234.
Molecular consequence: frameshift variant.
Genome position: GRCh38 VCF-style: chr12-101780223-G-GAAAC. GRCh37 (hg19) VCF-style: chr12-102174001-G-GAAAC.
Other names: short protein forms P234fs.
Identifiers: ClinVar variation 1724933 (VCV001724933.3), dbSNP rs2547967574, ClinGen allele CA2580085628.